The following is an entry in ClinVar:

ClinVar aggregate classification (germline): Uncertain significance (1 of 4 stars; one submission).

Allele frequency attached by ClinVar (database versions not stated): gnomAD exomes 0.00001; ExAC 0.00002; gnomAD 0.00009; TOPMed 0.00009.
gnomAD v4.1: 25 of 1,613,792 alleles (0.0015%); highest among the groups gnomAD compares: African/African-American, 0.025%; no homozygotes.

Submission:

Labcorp Genetics (formerly Invitae), Labcorp
Classification: Uncertain significance. Last evaluated: 2022-07-09. Review status: criteria provided, single submitter. Criteria: Invitae Variant Classification Sherloc (09022015). Collection method: clinical testing. Allele origin: germline.
Comment: In summary, the available evidence is currently insufficient to determine the role of this variant in disease. Therefore, it has been classified as a Variant of Uncertain Significance. Algorithms developed to predict the effect of missense changes on protein structure and function output the following: SIFT: "Tolerated"; PolyPhen-2: "Benign"; Align-GVGD: "Class C0". The threonine amino acid residue is found in multiple mammalian species, which suggests that this missense change does not adversely affect protein function. This sequence change replaces alanine, which is neutral and non-polar, with threonine, which is neutral and polar, at codon 315 of the PAX1 protein (p.Ala315Thr). This variant is present in population databases (rs371758290, gnomAD 0.03%). This variant has not been reported in the literature in individuals affected with PAX1-related conditions.

NM_001257096.2(PAX1):c.943G>A (p.Ala315Thr)

Gene: PAX1 (paired box 1; plus strand). Cytogenetic location: 20p11.22.
Variant type: single nucleotide variant.
Coding change: c.943G>A on transcript NM_001257096.2 (MANE Select); coding-DNA position 943, G replaced by A.
Protein change: p.Ala315Thr; replaces alanine 315 with threonine.
Molecular consequence: missense variant.
Genome position (GRCh38, 1-based): chr20:21,708,584, G>A. VCF-style: chr20-21708584-G-A. GRCh37 (hg19) VCF-style: chr20-21689222-G-A.
Other names: c.943G>A, p.Ala315Thr (NM_006192.5); short protein forms A315T.
Identifiers: ClinVar variation 1913576 (VCV001913576.4), dbSNP rs371758290, ClinGen allele CA9786631.